The following is an entry in ClinVar:

NM_133368.3(RSPRY1):c.65C>G (p.Thr22Ser)

Gene: RSPRY1 (ring finger and SPRY domain containing 1; plus strand). Cytogenetic location: 16q13.
Variant type: single nucleotide variant.
Coding change: c.65C>G on transcript NM_133368.3 (MANE Select); coding-DNA position 65, C replaced by G.
Protein change: p.Thr22Ser; replaces threonine 22 with serine.
Molecular consequence: missense variant.
Genome position (GRCh38, 1-based): chr16:57,204,723, C>G. VCF-style: chr16-57204723-C-G. GRCh37 (hg19) VCF-style: chr16-57238635-C-G.
Other names: c.65C>G, p.Thr22Ser (NM_001305163.2, NM_001305164.2, NM_001305182.2); c.65C>G (NM_133368.1); short protein forms T22S.
Identifiers: ClinVar variation 1897536 (VCV001897536.5), dbSNP rs1312209678, ClinGen allele CA396008878.

ClinVar aggregate classification (germline): Uncertain significance. Review status: criteria provided, multiple submitters, no conflicts (2 of 4 stars). 2 submissions from 2 submitters: Uncertain significance (2). Last evaluated 2024-05-28.

Conditions:
Inborn genetic diseases. Identifiers: MedGen C0950123, MeSH D030342.

Allele frequency attached by ClinVar (database versions not stated): gnomAD 0.00001; TOPMed 0.00009.
gnomAD v4.1: 6 of 1,614,114 alleles (0.00037%); highest among the groups gnomAD compares: Admixed American, 0.0067%; no homozygotes.

Submissions (2):

Ambry Genetics
Classification: Uncertain significance for Inborn genetic diseases. Last evaluated: 2024-05-28. Review status: criteria provided, single submitter. Criteria: Ambry Variant Classification Scheme 2023. Collection method: clinical testing. Allele origin: germline.

Labcorp Genetics (formerly Invitae), Labcorp
Classification: Uncertain significance. Last evaluated: 2022-03-19. Review status: criteria provided, single submitter. Criteria: Invitae Variant Classification Sherloc (09022015). Collection method: clinical testing. Allele origin: germline.
Comment: This sequence change replaces threonine, which is neutral and polar, with serine, which is neutral and polar, at codon 22 of the RSPRY1 protein (p.Thr22Ser). This variant is present in population databases (no rsID available, gnomAD 0.006%). This variant has not been reported in the literature in individuals affected with RSPRY1-related conditions. Algorithms developed to predict the effect of missense changes on protein structure and function (SIFT, PolyPhen-2, Align-GVGD) all suggest that this variant is likely to be tolerated. In summary, the available evidence is currently insufficient to determine the role of this variant in disease. Therefore, it has been classified as a Variant of Uncertain Significance.